The following is an entry in ClinVar:

ClinVar aggregate classification (germline): Uncertain significance. Review status: criteria provided, multiple submitters, no conflicts (2 of 4 stars). 2 submissions from 2 submitters: Uncertain significance (2). Last evaluated 2025-07-19.

Conditions:
CRB1-related disorder. Also called: CRB1-related condition; CRB1-related disorders.
Leber congenital amaurosis 8 (LCA8). Identifiers: Orphanet 65, MedGen C3151202, MONDO:0013453, OMIM 613835.
Retinitis pigmentosa 12 (RP12). Also called: RP WITH OR WITHOUT PPRPE; RP WITH OR WITHOUT PRESERVED PARAARTERIOLE RETINAL PIGMENT EPITHELIUM; RETINITIS PIGMENTOSA WITH OR WITHOUT PARAARTERIOLAR PRESERVATION OF RETINAL PIGMENT EPITHELIUM. Identifiers: Orphanet 791, MedGen C1838647, MONDO:0010818, OMIM 600105.

Allele frequency attached by ClinVar (database versions not stated): gnomAD exomes below 0.00001; ExAC 0.00001; TOPMed 0.00001; gnomAD 0.00005.
gnomAD v4.1: 14 of 1,613,840 alleles (0.00087%); highest among the groups gnomAD compares: African/African-American, 0.017%; no homozygotes.

Submissions (2):

PreventionGenetics, part of Exact Sciences
Classification: Uncertain significance for CRB1-related condition. Last evaluated: 2025-07-19. Review status: criteria provided, single submitter. Criteria: ACMG Guidelines, 2015. Collection method: clinical testing. Allele origin: germline.
Comment: The CRB1 c.2344T>G variant is predicted to result in the amino acid substitution p.Leu782Val. To our knowledge, this variant has not been reported in the literature. This variant is reported in 0.012% of alleles in individuals of African descent in gnomAD. At this time, the clinical significance of this variant is uncertain due to the absence of conclusive functional and genetic evidence.

Labcorp Genetics (formerly Invitae), Labcorp
Classification: Uncertain significance for Leber congenital amaurosis 8; Retinitis pigmentosa 12. Last evaluated: 2022-05-30. Review status: criteria provided, single submitter. Criteria: Invitae Variant Classification Sherloc (09022015). Collection method: clinical testing. Allele origin: germline.
Comment: This sequence change replaces leucine, which is neutral and non-polar, with valine, which is neutral and non-polar, at codon 782 of the CRB1 protein (p.Leu782Val). This variant is present in population databases (rs752628195, gnomAD 0.008%). This variant has not been reported in the literature in individuals affected with CRB1-related conditions. Advanced modeling of protein sequence and biophysical properties (such as structural, functional, and spatial information, amino acid conservation, physicochemical variation, residue mobility, and thermodynamic stability) performed at Invitae indicates that this missense variant is not expected to disrupt CRB1 protein function. In summary, the available evidence is currently insufficient to determine the role of this variant in disease. Therefore, it has been classified as a Variant of Uncertain Significance.

NM_201253.3(CRB1):c.2344T>G (p.Leu782Val)

Gene: CRB1 (crumbs cell polarity complex component 1; plus strand). Cytogenetic location: 1q31.3.
Variant type: single nucleotide variant.
Coding change: c.2344T>G on transcript NM_201253.3 (MANE Select); coding-DNA position 2344, T replaced by G.
Protein change: p.Leu782Val; replaces leucine 782 with valine.
Molecular consequence: missense variant. On other transcripts: non-coding transcript variant (2), intron variant (1).
Genome position (GRCh38, 1-based): chr1:197,427,669, T>G. VCF-style: chr1-197427669-T-G. GRCh37 (hg19) VCF-style: chr1-197396799-T-G.
Other names: c.2344T>G (NM_201253.2); c.2008T>G, p.Leu670Val (NM_001193640.2); c.2137T>G, p.Leu713Val (NM_001257965.2); c.2128+5713T>G (NM_001257966.2); short protein forms L670V, L713V, L782V.
Identifiers: ClinVar variation 2415580 (VCV002415580.4), dbSNP rs752628195, ClinGen allele CA1312105.
Genomic context (GRCh38, chr1:197,427,669, plus strand): 5'-TATATCCGTGTCTGGCTAGAGCGCGGCAGACTAGCAATGCTGACTCCAAACTCTCCCAAA[T>G]TAGTAGTAAAATTTGTTCTTAATGATGGAAATGTCCACTTGATATCTTTGAAAATCAAGC-3'
Protein context (NP_957705.1, residues 772-792): LAMLTPNSPK[Leu782Val]VVKFVLNDGN